The following is an entry in ClinVar:

NM_005506.4(SCARB2):c.1194G>A (p.Thr398=)

Gene: SCARB2 (scavenger receptor class B member 2; minus strand). Cytogenetic location: 4q21.1.
Variant type: single nucleotide variant.
Coding change: c.1194G>A on transcript NM_005506.4 (MANE Select); coding-DNA position 1194, G replaced by A.
Protein change: p.Thr398=; no amino-acid change (threonine 398 retained).
Molecular consequence: synonymous variant.
Genome position (GRCh38, 1-based): chr4:76,166,295, C>T on the plus strand (G>A on the coding strand, the complement: SCARB2 is on the minus strand). VCF-style: chr4-76166295-C-T. GRCh37 (hg19) VCF-style: chr4-77087448-C-T.
Other names: c.765G>A, p.Thr255= (NM_001204255.2).
Identifiers: ClinVar variation 388048 (VCV000388048.10), dbSNP rs574498998, ClinGen allele CA2970157.

ClinVar aggregate classification (germline): Likely benign. Review status: criteria provided, multiple submitters, no conflicts (2 of 4 stars). 2 submissions from 2 submitters: Likely benign (2). Last evaluated 2024-02-24.

Conditions:
Progressive myoclonic epilepsy. Also called: Myoclonus epilepsy; Familial progressive myoclonic epilepsy; Progressive myoclonus epilepsy; Myoclonic Epilepsies, Progressive. Identifiers: Orphanet 308, Orphanet 98261, MedGen C0751778, MONDO:0020074.

Allele frequency attached by ClinVar (database versions not stated): gnomAD exomes below 0.00001 and 0.00001; TOPMed below 0.00001; ExAC 0.00001.
gnomAD v4.1: 7 of 1,614,086 alleles (0.00043%); highest among the groups gnomAD compares: African/African-American, 0.0013%; no homozygotes.

Submissions (3):

Labcorp Genetics (formerly Invitae), Labcorp
Classification: Likely benign for Progressive myoclonic epilepsy. Last evaluated: 2024-02-24. Review status: criteria provided, single submitter. Criteria: Invitae Variant Classification Sherloc (09022015). Collection method: clinical testing. Allele origin: germline.

GeneDx
Classification: Likely benign. Last evaluated: 2016-08-03. Review status: criteria provided, single submitter. Criteria: GeneDx Variant Classification (06012015). Collection method: clinical testing. Allele origin: germline. Affected: yes.
Comment: This variant is considered likely benign or benign based on one or more of the following criteria: it is a conservative change, it occurs at a poorly conserved position in the protein, it is predicted to be benign by multiple in silico algorithms, and/or has population frequency not consistent with disease.

Dr. Peter K. Rogan Lab, Western University
No classification provided (evidence only). Condition: Squamous cell lung carcinoma. Review status: no classification provided. Collection method: in vitro. Allele origin: not applicable. Functional consequence: retained intron. Not counted in ClinVar's aggregate classification.